The following is an entry in ClinVar:

NM_018896.5(CACNA1G):c.2441T>C (p.Ile814Thr)

Gene: CACNA1G (calcium voltage-gated channel subunit alpha1 G; plus strand). Cytogenetic location: 17q21.33.
Variant type: single nucleotide variant.
Coding change: c.2441T>C on transcript NM_018896.5 (MANE Select); coding-DNA position 2441, T replaced by C.
Protein change: p.Ile814Thr; replaces isoleucine 814 with threonine.
Molecular consequence: missense variant. On other transcripts: non-coding transcript variant (5).
Genome position (GRCh38, 1-based): chr17:50,590,610, T>C. VCF-style: chr17-50590610-T-C. GRCh37 (hg19) VCF-style: chr17-48667971-T-C.
Other names: c.2441T>C, p.Ile814Thr (NM_001256324.2, NM_001256325.2, NM_001256326.2 and 24 more transcripts); short protein forms I814T.
Identifiers: ClinVar variation 4529919 (VCV004529919.2).

ClinVar aggregate classification (germline): Uncertain significance (1 of 4 stars; one submission).

gnomAD v4.1: 1 of 1,613,844 alleles (0.000062%); highest among the groups gnomAD compares: Admixed American, 0.0017%; no homozygotes.

Submission:

GeneDx
Classification: Uncertain significance. Last evaluated: 2026-08-11. Review status: criteria provided, single submitter. Criteria: GeneDx Variant Classification Process June 2021. Collection method: clinical testing. Allele origin: germline.
Comment: Not observed at significant frequency in large population cohorts (gnomAD); In silico analysis supports that this missense variant has a deleterious effect on protein structure/function; Has not been previously published as pathogenic or benign to our knowledge